The following is an entry in ClinVar:

ClinVar aggregate classification (germline): Likely pathogenic (1 of 4 stars; one submission).

Allele frequency attached by ClinVar (database versions not stated): gnomAD exomes below 0.00001; TOPMed below 0.00001; gnomAD 0.00001.

Submission:

GeneDx
Classification: Likely pathogenic. Last evaluated: 2017-10-11. Review status: criteria provided, single submitter. Criteria: GeneDx Variant Classification (06012015). Collection method: clinical testing. Allele origin: germline. Affected: yes.
Comment: The c.1_2delAT variant has not been published as a pathogenic variant, nor has it been reported as a benign variant to our knowledge. The c.1_2delAT variant is not observed in large population cohorts (Lek et al., 2016). The c.1_2delAT variant alters the initiator Methionine codon, and the resultant protein would be described as p.Met1?" using a question mark to signify that it is not known if the loss of Met1 means that all protein translation is completely prevented or if an abnormal protein is produced using an alternate Met. In summary, we interpret this variant as likely pathogenic."

NM_000254.3(MTR):c.1_2del (p.Met1fs)

Gene: MTR (5-methyltetrahydrofolate-homocysteine methyltransferase; plus strand). Cytogenetic location: 1q43.
Variant type: Deletion.
Coding change: c.1_2del on transcript NM_000254.3 (MANE Select); coding-DNA positions 1 to 2, 2 bases deleted (AT; older notation c.1_2delAT).
Protein change: p.Met1fs; shifts the reading frame from methionine 1.
Molecular consequence: frameshift variant, initiator codon variant. On other transcripts: 5 prime UTR variant (1).
Genome position (GRCh38, 1-based): chr1:236,795,704-236,795,705, AT deleted. VCF-style (leftmost placement, unchanged base first): chr1-236795703-CAT-C. GRCh37 (hg19) VCF-style: chr1-236959003-CAT-C.
Other names: c.1_2del, p.Met1fs (NM_001291939.1); c.-1108_-1107del (NM_001291940.2); c.1_2delAT (NM_000254.2); short protein forms M1fs.
Identifiers: ClinVar variation 452311 (VCV000452311.3), dbSNP rs1367402633, ClinGen allele CA658656994.